The following is an entry in ClinVar:

NM_000094.4(COL7A1):c.8471C>T (p.Ala2824Val)

Gene: COL7A1 (collagen type VII alpha 1 chain; minus strand). Cytogenetic location: 3p21.31.
Variant type: single nucleotide variant.
Coding change: c.8471C>T on transcript NM_000094.4 (MANE Select); coding-DNA position 8471, C replaced by T.
Protein change: p.Ala2824Val; replaces alanine 2824 with valine.
Molecular consequence: missense variant.
Genome position (GRCh38, 1-based): chr3:48,565,466, G>A on the plus strand (C>T on the coding strand, the complement: COL7A1 is on the minus strand). VCF-style: chr3-48565466-G-A. GRCh37 (hg19) VCF-style: chr3-48602899-G-A.
Other names: short protein forms A2824V.
Identifiers: ClinVar variation 2170229 (VCV002170229.1), dbSNP rs1314398128, ClinGen allele CA352635031.

ClinVar aggregate classification (germline): Uncertain significance (1 of 4 stars; one submission).

Allele frequency attached by ClinVar (database versions not stated): gnomAD 0.00001; TOPMed 0.00002.

Submission:

Labcorp Genetics (formerly Invitae), Labcorp
Classification: Uncertain significance. Last evaluated: 2021-10-14. Review status: criteria provided, single submitter. Criteria: Invitae Variant Classification Sherloc (09022015). Collection method: clinical testing. Allele origin: germline.
Comment: This sequence change replaces alanine with valine at codon 2824 of the COL7A1 protein (p.Ala2824Val). The alanine residue is weakly conserved and there is a small physicochemical difference between alanine and valine. This variant is not present in population databases (ExAC no frequency). This variant has not been reported in the literature in individuals affected with COL7A1-related conditions. Advanced modeling of protein sequence and biophysical properties (such as structural, functional, and spatial information, amino acid conservation, physicochemical variation, residue mobility, and thermodynamic stability) performed at Invitae indicates that this missense variant is not expected to disrupt COL7A1 protein function. In summary, the available evidence is currently insufficient to determine the role of this variant in disease. Therefore, it has been classified as a Variant of Uncertain Significance.